The following is an entry in ClinVar:

NM_007289.4(MME):c.747G>T (p.Met249Ile)

Gene: MME (membrane metalloendopeptidase; plus strand). Cytogenetic location: 3q25.2.
Variant type: single nucleotide variant.
Coding change: c.747G>T on transcript NM_007289.4 (MANE Select); coding-DNA position 747, G replaced by T.
Protein change: p.Met249Ile; replaces methionine 249 with isoleucine.
Molecular consequence: missense variant.
Genome position (GRCh38, 1-based): chr3:155,138,128, G>T. VCF-style: chr3-155138128-G-T. GRCh37 (hg19) VCF-style: chr3-154855917-G-T.
Other names: c.747G>T, p.Met249Ile (NM_007287.4, NM_007288.3, NM_000902.5 and 2 more transcripts); short protein forms M249I.
Identifiers: ClinVar variation 4625084 (VCV004625084.1).

ClinVar aggregate classification (germline): Uncertain significance (1 of 4 stars; one submission).

Conditions:
Inborn genetic diseases. Identifiers: MedGen C0950123, MeSH D030342.

gnomAD v4.1: 12 of 1,613,492 alleles (0.00074%); highest among the groups gnomAD compares: Non-Finnish European, 0.001%; no homozygotes.

Submission:

Ambry Genetics
Classification: Uncertain significance for Inborn genetic diseases. Last evaluated: 2025-10-24. Review status: criteria provided, single submitter. Criteria: Ambry Variant Classification Scheme 2023. Collection method: clinical testing. Allele origin: germline.
Comment: The c.747G>T (p.M249I) alteration is located in exon 9 (coding exon 8) of the MME gene. This alteration results from a G to T substitution at nucleotide position 747, causing the methionine (M) at amino acid position 249 to be replaced by an isoleucine (I). Based on data from gnomAD, the T allele has an overall frequency of <0.001% (1/250934) total alleles studied. The highest observed frequency was 0.005% (1/18392) of East Asian alleles. Based on insufficient or conflicting evidence, the clinical significance of this alteration remains unclear.